The following is an entry in ClinVar:

ClinVar aggregate classification (germline): Likely pathogenic (1 of 4 stars; one submission).

Conditions:
Deficiency of alpha-mannosidase (MANSA). Also called: Alpha-Mannosidosis; LYSOSOMAL ALPHA-D-MANNOSIDASE DEFICIENCY; Mannosidosis, alpha-, types I and II. Identifiers: Orphanet 61, MedGen C0024748, MONDO:0009561, OMIM 248500.

Allele frequency attached by ClinVar (database versions not stated): gnomAD exomes below 0.00001.
gnomAD v4.1: 1 of 1,613,602 alleles (0.000062%); highest among the groups gnomAD compares: Non-Finnish European, 0.000085%; no homozygotes.

Submission:

NxGen MDx
Classification: Likely pathogenic for Deficiency of alpha-mannosidase. Last evaluated: 2021-05-12. Review status: criteria provided, single submitter. Criteria: ACMG Guidelines, 2015. Collection method: clinical testing. Allele origin: unknown.
Comment: This null variant (c.2515C>T) in exon 21 of 24 in MAN2B1 is predicted to cause premature termination of the primary amino acid chain (PVS1) and is not found in gnomAD databases (PM2). In silico models predict pathogenicity for this variant (PP3). There is one clinical report of this variant in Stensland et al. (PMID 22161967) with 2nd allele c.1527+2T>A. We interpret c.2515C>T to be likely pathogenic.

Literature cited by the submitters: PubMed 22161967.

NM_000528.4(MAN2B1):c.2515C>T (p.Arg839Ter)

Gene: MAN2B1 (mannosidase alpha class 2B member 1; minus strand). Cytogenetic location: 19p13.13.
Variant type: single nucleotide variant.
Coding change: c.2515C>T on transcript NM_000528.4 (MANE Select); coding-DNA position 2515, C replaced by T.
Protein change: p.Arg839Ter; replaces arginine 839 with a stop codon.
Molecular consequence: nonsense.
Genome position (GRCh38, 1-based): chr19:12,648,324, G>A on the plus strand (C>T on the coding strand, the complement: MAN2B1 is on the minus strand). VCF-style: chr19-12648324-G-A. GRCh37 (hg19) VCF-style: chr19-12759138-G-A.
Other names: c.2512C>T, p.Arg838Ter (NM_001173498.2); short protein forms R838*, R839*.
Identifiers: ClinVar variation 1162198 (VCV001162198.1), dbSNP rs1291147781, ClinGen allele CA404240156.